The following is an entry in ClinVar:

ClinVar aggregate classification (germline): Likely benign. Review status: criteria provided, multiple submitters, no conflicts (2 of 4 stars). 2 submissions from 2 submitters: Likely benign (2). Last evaluated 2024-09-19.

Conditions:
Hereditary diffuse gastric adenocarcinoma (HDGC). Also called: DIFFUSE GASTRIC AND LOBULAR BREAST CANCER SYNDROME. Identifiers: Orphanet 26106, MedGen C1708349, MONDO:0007648, OMIM 137215.

Allele frequency attached by ClinVar (database versions not stated): gnomAD exomes 0.00001; ExAC 0.00002.
gnomAD v4.1: 4 of 1,614,184 alleles (0.00025%); highest among the groups gnomAD compares: Non-Finnish European, 0.00034%; no homozygotes.

Submissions (2):

Myriad Genetics, Inc.
Classification: Likely benign for Hereditary diffuse gastric adenocarcinoma. Last evaluated: 2024-09-19. Review status: criteria provided, single submitter. Criteria: Myriad Autosomal Dominant, Autosomal Recessive and X-Linked Classification Criteria (2023). Collection method: clinical testing. Allele origin: unknown.
Comment: This variant is considered likely benign. This variant is intronic and is not expected to impact mRNA splicing.

Labcorp Genetics (formerly Invitae), Labcorp
Classification: Likely benign for Hereditary diffuse gastric adenocarcinoma. Last evaluated: 2022-06-29. Review status: criteria provided, single submitter. Criteria: Invitae Variant Classification Sherloc (09022015). Collection method: clinical testing. Allele origin: germline.

NM_004360.5(CDH1):c.1566-10C>T

Gene: CDH1 (cadherin 1; plus strand). Cytogenetic location: 16q22.1.
Variant type: single nucleotide variant.
Coding change: c.1566-10C>T on transcript NM_004360.5 (MANE Select); 10 bases into the intron before coding-DNA position 1566, C replaced by T.
Molecular consequence: intron variant.
Genome position (GRCh38, 1-based): chr16:68,819,270, C>T. VCF-style: chr16-68819270-C-T. GRCh37 (hg19) VCF-style: chr16-68853173-C-T.
Other names: c.1566-10C>T (LRG_301t1); c.18-10C>T (NM_001317185.2); c.-254-2731C>T (NM_001317186.2); c.1383-10C>T (NM_001317184.2).
Identifiers: ClinVar variation 532492 (VCV000532492.10), dbSNP rs778678297, ClinGen allele CA8130106.